The following is an entry in ClinVar:

NM_000038.6(APC):c.1174C>A (p.His392Asn)

Gene: APC (APC regulator of Wnt signaling pathway; plus strand). Cytogenetic location: 5q22.2.
Variant type: single nucleotide variant.
Coding change: c.1174C>A on transcript NM_000038.6 (MANE Select); coding-DNA position 1174, C replaced by A.
Protein change: p.His392Asn; replaces histidine 392 with asparagine.
Molecular consequence: missense variant. On other transcripts: non-coding transcript variant (2), intron variant (15).
Genome position (GRCh38, 1-based): chr5:112,819,206, C>A. VCF-style: chr5-112819206-C-A. GRCh37 (hg19) VCF-style: chr5-112154903-C-A.
Other names: c.1174C>A, p.His392Asn (NM_001127510.3, NM_001354895.2, NM_001354896.2 and 4 more transcripts); c.1120C>A, p.His374Asn (NM_001127511.3); c.1204C>A, p.His402Asn (NM_001354897.2, NM_001407446.1); c.1099C>A, p.His367Asn (NM_001354898.2, NM_001407451.1); c.1090C>A, p.His364Asn (NM_001354899.2, NM_001407452.1); c.997C>A, p.His333Asn (NM_001354900.2, NM_001354901.2, NM_001407453.1); c.325C>A, p.His109Asn (NM_001354906.2, NM_001407470.1); c.85-63C>A (NM_001407472.1, NM_001407471.1); and 6 more; short protein forms H392N, H109N, H367N, H402N, H333N, H374N, H364N.
Identifiers: ClinVar variation 2824145 (VCV002824145.4), dbSNP rs2041679253, ClinGen allele CA16023875.

ClinVar aggregate classification (germline): Uncertain significance. Review status: criteria provided, multiple submitters, no conflicts (2 of 4 stars). 2 submissions from 2 submitters: Uncertain significance (2). Last evaluated 2025-10-11.

Conditions:
Familial adenomatous polyposis 1 (FAP1). Also called: POLYPOSIS, ADENOMATOUS INTESTINAL; FAMILIAL ADENOMATOUS POLYPOSIS 1, ATTENUATED. Identifiers: MedGen C2713442, MONDO:0021056, OMIM 175100. Disease mechanism: loss of function.
Hereditary cancer-predisposing syndrome. Also called: Neoplastic Syndromes, Hereditary; Hereditary neoplastic syndrome; Tumor predisposition; Hereditary Cancer Syndrome. Identifiers: Orphanet 140162, MedGen C0027672, MeSH D009386, MONDO:0015356.

Submissions (2):

Ambry Genetics
Classification: Uncertain significance for Hereditary cancer-predisposing syndrome. Last evaluated: 2025-10-11. Review status: criteria provided, single submitter. Criteria: Ambry Variant Classification Scheme 2023. Collection method: clinical testing. Allele origin: germline.
Comment: The p.H392N variant (also known as c.1174C>A), located in coding exon 9 of the APC gene, results from a C to A substitution at nucleotide position 1174. The histidine at codon 392 is replaced by asparagine, an amino acid with similar properties. This amino acid position is conserved. In addition, in silico predictors for this gene do not accurately predict pathogenicity. Based on the available evidence, the clinical significance of this variant remains unclear.

Labcorp Genetics (formerly Invitae), Labcorp
Classification: Uncertain significance for Familial adenomatous polyposis 1. Last evaluated: 2023-02-09. Review status: criteria provided, single submitter. Criteria: Invitae Variant Classification Sherloc (09022015). Collection method: clinical testing. Allele origin: germline.
Comment: This sequence change replaces histidine, which is basic and polar, with asparagine, which is neutral and polar, at codon 392 of the APC protein (p.His392Asn). This variant is not present in population databases (gnomAD no frequency). This variant has not been reported in the literature in individuals affected with APC-related conditions. Advanced modeling of protein sequence and biophysical properties (such as structural, functional, and spatial information, amino acid conservation, physicochemical variation, residue mobility, and thermodynamic stability) performed at Invitae indicates that this missense variant is not expected to disrupt APC protein function. In summary, the available evidence is currently insufficient to determine the role of this variant in disease. Therefore, it has been classified as a Variant of Uncertain Significance.